The following is an entry in ClinVar:

NM_183075.3(CYP2U1):c.1355A>T (p.Asp452Val)

Gene: CYP2U1 (cytochrome P450 family 2 subfamily U member 1; plus strand). Cytogenetic location: 4q25.
Variant type: single nucleotide variant.
Coding change: c.1355A>T on transcript NM_183075.3 (MANE Select); coding-DNA position 1355, A replaced by T.
Protein change: p.Asp452Val; replaces aspartic acid 452 with valine.
Molecular consequence: missense variant.
Genome position (GRCh38, 1-based): chr4:107,949,416, A>T. VCF-style: chr4-107949416-A-T. GRCh37 (hg19) VCF-style: chr4-108870572-A-T.
Other names: short protein forms D452V.
Identifiers: ClinVar variation 2430192 (VCV002430192.6), dbSNP rs775157727, ClinGen allele CA3037187.

ClinVar aggregate classification (germline): Conflicting classifications of pathogenicity. Review status: criteria provided, conflicting classifications (1 of 4 stars). 4 submissions from 4 submitters: Likely pathogenic (1); Uncertain significance (3). Last evaluated 2025-04-18.

Conditions:
Hereditary spastic paraplegia 56. Also called: Spastic Paraplegia 56; Spastic paraplegia 56, autosomal recessive; SPASTIC PARAPLEGIA 56, AUTOSOMAL RECESSIVE, WITH OR WITHOUT PSEUDOXANTHOMA ELASTICUM. Identifiers: Orphanet 320411, MedGen C3539507, MONDO:0014015, OMIM 615030.
Spastic paraplegia. Identifiers: MedGen C0037772, HP:0001258.

Allele frequency attached by ClinVar (database versions not stated): gnomAD exomes below 0.00001; ExAC 0.00002.

Submissions (4):

Revvity Omics, Revvity
Classification: Uncertain significance for Hereditary spastic paraplegia 56. Last evaluated: 2025-04-18. Review status: criteria provided, single submitter. Criteria: ACMG Guidelines, 2015. Collection method: clinical testing. Allele origin: germline.

Labcorp Genetics (formerly Invitae), Labcorp
Classification: Uncertain significance for Spastic paraplegia. Last evaluated: 2024-11-25. Review status: criteria provided, single submitter. Criteria: Invitae Variant Classification Sherloc (09022015). Collection method: clinical testing. Allele origin: germline.
Comment: This sequence change replaces aspartic acid, which is acidic and polar, with valine, which is neutral and non-polar, at codon 452 of the CYP2U1 protein (p.Asp452Val). This variant is present in population databases (rs775157727, gnomAD 0.007%). This missense change has been observed in individual(s) with hereditary spastic paraplegia (internal data). ClinVar contains an entry for this variant (Variation ID: 2430192). Invitae Evidence Modeling of protein sequence and biophysical properties (such as structural, functional, and spatial information, amino acid conservation, physicochemical variation, residue mobility, and thermodynamic stability) has been performed for this missense variant. However, the output from this modeling did not meet the statistical confidence thresholds required to predict the impact of this variant on CYP2U1 protein function. In summary, the available evidence is currently insufficient to determine the role of this variant in disease. Therefore, it has been classified as a Variant of Uncertain Significance.

Neuberg Centre For Genomic Medicine, NCGM
Classification: Uncertain significance for Hereditary spastic paraplegia 56. Last evaluated: 2023-02-14. Review status: criteria provided, single submitter. Criteria: ACMG Guidelines, 2015. Collection method: clinical testing. Allele origin: germline. Inheritance: Autosomal recessive inheritance. Affected: yes.
Comment: The missense c.1355A>T(p.Asp452Val) variant in CYP2U1 gene has not been reported previously as a pathogenic variant nor a benign variant, to our knowledge. The p.Asp452Val variant has been reported with allele frequency of 0.0008% in gnomAD Exomes and is novel (not in any individuals) in 1000 Genomes. This variant has not been reported to the ClinVar database. The amino acid change p.Asp452Val in CYP2U1 is predicted as conserved by GERP++ and PhyloP across 100 vertebrates. The amino acid Asp at position 452 is changed to a Val changing protein sequence and it might alter its composition and physico-chemical properties. For these reasons, this variant has been classified as a Variant of Uncertain Significance (VUS).

Kasturba Medical College, Manipal, Kasturba Medical College, Manipal, Manipal Academy of Higher Education, Manipal, India
Classification: Likely pathogenic for Hereditary spastic paraplegia 56. Review status: criteria provided, single submitter. Criteria: ACMG Guidelines, 2015. Collection method: clinical testing. Allele origin: inherited. Inheritance: Autosomal recessive inheritance. Affected: yes. Observed: 1 homozygote.